The following continues an entry in ClinVar:

NM_000083.3(CLCN1):c.920T>C (p.Phe307Ser)

Gene: CLCN1. ClinVar aggregate classification (germline): Pathogenic/Likely pathogenic. Pathogenic (12); Likely pathogenic (1).

Submissions 13 to 15 of 15:

Illumina Laboratory Services, Illumina
Classification: Pathogenic for Myotonia congenita. Last evaluated: 2018-11-18. Review status: criteria provided, single submitter. Criteria: ICSL Variant Classification Criteria 09 May 2019. Collection method: clinical testing. Allele origin: germline.
Comment: The CLCN1 c.920T>C (p.Phe307Ser) variant is a missense variant that has been reported in at least 12 unrelated individuals with myotonia congenita (Kubisch et al. 1998; Sun et al. 2001; Colding-Jorgensen et al. 2003; Fialho et al. 2007; Raheem et al. 2012; Horga et al. 2013). In the majority of cases, the variant acted in an autosomal dominant manner, but several of cases of compound heterozygosity and autosomal recessive inheritance were also reported. The p.Phe307Ser variant was absent from 50 controls but is reported at a frequency of 0.000155 in the European (Finnish) population of the Genome Aggregation Database. Functional studies in Xenopus oocytes showed a shifted voltage dependence of the variant channel that was expected to prevent efficient repolarization of the muscle action potential, a finding that has been seen with other disease-causing variants. (Kubisch et al. 1998; Aromataris et al. 2001). Based on the collective evidence, the p.Phe307Ser variant is classified as pathogenic for myotonia congenita. This variant was observed by ICSL as part of a predisposition screen in an ostensibly healthy population.

PreventionGenetics, part of Exact Sciences
Classification: Pathogenic for CLCN1-related condition. Last evaluated: 2024-04-01. Review status: no assertion criteria provided. Collection method: clinical testing. Allele origin: germline. Not counted in ClinVar's aggregate classification.
Comment: The CLCN1 c.920T>C variant is predicted to result in the amino acid substitution p.Phe307Ser. This variant has been reported in multiple unrelated individuals and families with myotonia congenita (Kubisch et al. 1998. PubMed ID: 9736777; Sun et al. 2001. PubMed ID: 11840191; Fialho et al. 2007. PubMed ID: 17932099; Raheem et al. 2012. PubMed ID: 23152584; Horga et al. 2013. PubMed ID: 23516313). In most cases, this variant has displayed dominant inheritance but it has also been reported in the homozygous or compound heterozygous state with another pathogenic variant (Fialho et al. 2007. PubMed ID: 17932099; Horga et al. 2013. PubMed ID: 23516313). This variant is reported in 0.012% of alleles in individuals of European (Finnish) descent in gnomAD. This variant is interpreted as pathogenic.

Division of Human Genetics, Children's Hospital of Philadelphia
Classification: Likely pathogenic for Congenital myotonia, autosomal dominant form; Congenital myotonia, autosomal recessive form. Last evaluated: 2016-05-12. Review status: no assertion criteria provided. Collection method: research. Allele origin: maternal. Study: CSER-PediSeq. Not counted in ClinVar's aggregate classification.

Literature cited by the submitters: PubMed 9736777 (cited by 6 submitters); PubMed 17932099 (cited by 6 submitters); PubMed 23152584 (cited by 3 submitters); PubMed 23516313 (cited by 5 submitters); PubMed 11408615 (cited by 4 submitters); PubMed 29809153 (cited by Variantyx, Inc.); PubMed 34529042 (cited by Women's Health and Genetics/Laboratory Corporation of America, LabCorp); PubMed 37273706 (cited by Women's Health and Genetics/Laboratory Corporation of America, LabCorp); PubMed 15786415 (cited by Women's Health and Genetics/Laboratory Corporation of America, LabCorp); PubMed 35350395 (cited by Athena Diagnostics); PubMed 12566541 (cited by Athena Diagnostics); PubMed 24064982 (cited by Athena Diagnostics); PubMed 11840191 (cited by 3 submitters); PubMed 12661046 (cited by Athena Diagnostics and Illumina Laboratory Services, Illumina).